The following is an entry in ClinVar:

NM_001999.4(FBN2):c.3424T>C (p.Cys1142Arg)

Gene: FBN2 (fibrillin 2; minus strand). Cytogenetic location: 5q23.3.
Variant type: single nucleotide variant.
Coding change: c.3424T>C on transcript NM_001999.4 (MANE Select); coding-DNA position 3424, T replaced by C.
Protein change: p.Cys1142Arg; replaces cysteine 1142 with arginine.
Molecular consequence: missense variant.
Genome position (GRCh38, 1-based): chr5:128,338,981, A>G on the plus strand (T>C on the coding strand, the complement: FBN2 is on the minus strand). VCF-style: chr5-128338981-A-G. GRCh37 (hg19) VCF-style: chr5-127674673-A-G.
Other names: short protein forms C1142R.
Identifiers: ClinVar variation 989339 (VCV000989339.6), dbSNP rs1750918931, ClinGen allele CA360759920.

ClinVar aggregate classification (germline): Pathogenic/Likely pathogenic. Review status: criteria provided, multiple submitters, no conflicts (2 of 4 stars). 3 submissions from 3 submitters: Pathogenic (2); Likely pathogenic (1). Last evaluated 2026-06-22.

Conditions:
Congenital contractural arachnodactyly (CCA). Also called: Beals-Hecht syndrome; Arthrogryposis, distal, type 9; BEALS SYNDROME. Identifiers: Orphanet 115, MedGen C0220668, MONDO:0007363, OMIM 121050.
FBN2-related disorders.

Submissions (3):

Victorian Clinical Genetics Services, Murdoch Childrens Research Institute
Classification: Pathogenic for Congenital contractural arachnodactyly. Last evaluated: 2026-06-22. Review status: criteria provided, single submitter. Criteria: ACMG Guidelines, 2015. Collection method: clinical testing. Allele origin: germline. Affected: yes.
Comment: This variant is classified as Pathogenic. Evidence in support of pathogenic classification: Variant is absent from gnomAD (v4); This variant has limited previous evidence of pathogenicity in unrelated individual(s). This variant has been classified as pathogenic by a clinical laboratory (ClinVar). It has also been reported in the literature in a family with congenital contractural arachnodactyly (PMID: 19006240); Other missense variant(s) comparable to the one identified in this case have strong previous evidence for pathogenicity. p.(Cys1142Ser) and p.(Cys1142Gly) have been classified as likely pathogenic/pathogenic by clinical laboratories (ClinVar). p.(Cys1142Trp), p.(Cys1142Tyr) and p.(Cys1142Phe) have been also been reported in the literature in individuals with congenital contractural arachnodactyly (PMIDs: 31316167, 18767143, 10797416); Variant is located in a hotspot region or cluster of PATHOGENIC variants. This variant affects a cysteine residue in the EGF-repeat domain. Pathogenic variants specifically involving cysteine residues are commonly reported between exons 23-34 in FBN2 (DECIPHER, PMID: 31316167); Missense variant predicted to be damaging by in silico tool(s) or highly conserved with a major amino acid change. Additional information: Variant is predicted to result in a missense amino acid change from Cys to Arg; This variant is heterozygous; This gene is associated with autosomal dominant disease. There are also rare reports of a severe form of congenital contractural arachnodactyly due to biallelic variants (PMID: 33571691); Alternative amino acid change(s) at the same position are present in gnomAD (highest allele count: v4: 1 heterozygote(s), 0 homozygote(s)); No published functional evidence has been identified for this variant; The mechanism of disease for this gene is not clearly established. However, dominant negative is a likely mechanism of disease (PMID: 31316167), and loss of function has recently been suggested as a possible mechanism of disease although additional functional studies are required to confirm this hypothesis (PMID: 20301560); Variants in this gene are known to have variable expressivity. Intrafamilial and interfamilial variability are well reported for this gene (PMID: 20301560); Inheritance information for this variant is not currently available in this individual.

Blueprint Genetics
Classification: Likely pathogenic for FBN2-related disorders. Last evaluated: 2024-01-16. Review status: criteria provided, single submitter. Criteria: ACMG Guidelines, 2015. Collection method: clinical testing. Allele origin: germline. Affected: yes. Observed: 1 variant allele.

Illumina Laboratory Services, Illumina
Classification: Pathogenic for Congenital contractural arachnodactyly. Last evaluated: 2019-03-12. Review status: criteria provided, single submitter. Criteria: ICSLVariantClassificationCriteria RUGD 01 April 2020. Collection method: clinical testing. Allele origin: unknown.
Comment: The FBN2 c.3424T>C (p.Cys1142Arg) variant is a missense variant that has been reported in one individual affected with crumpled ears, arachnodactyly, and contractures (Callewaert et al. 2008). The variant was inherited from the individual's mother who had contractures and scoliosis. The variant was absent from 200 control chromosomes and is not found in the Genome Aggregation Database in a region of good sequencing coverage, so the variant is presumed to be rare. The Cys1142 residue is present in the 16th EGF-like domain, and another missense change at the same residue, p.Cys1142Phe, has been reported in an individual affected with congenital contractural arachnodactyly (Belleh et al. 2000). Based on the collective evidence and application of the ACMG criteria, the p.Cys1142Arg variant is classified as pathogenic for congenital contractural arachnodactyly.

Literature cited by the submitters: PubMed 31316167 (cited by Victorian Clinical Genetics Services, Murdoch Childrens Research Institute); PubMed 20301560 (cited by Victorian Clinical Genetics Services, Murdoch Childrens Research Institute); PubMed 10797416 (cited by Victorian Clinical Genetics Services, Murdoch Childrens Research Institute and Illumina Laboratory Services, Illumina); PubMed 19006240 (cited by Victorian Clinical Genetics Services, Murdoch Childrens Research Institute and Illumina Laboratory Services, Illumina); PubMed 33571691 (cited by Victorian Clinical Genetics Services, Murdoch Childrens Research Institute); PubMed 18767143 (cited by Victorian Clinical Genetics Services, Murdoch Childrens Research Institute).